The following is an entry in ClinVar:

ClinVar aggregate classification (germline): Uncertain significance. Review status: criteria provided, multiple submitters, no conflicts (2 of 4 stars). 2 submissions from 2 submitters: Uncertain significance (2). Last evaluated 2025-08-24.

Conditions:
Inborn genetic diseases. Identifiers: MedGen C0950123, MeSH D030342.

Submissions (2):

Ambry Genetics
Classification: Uncertain significance for Inborn genetic diseases. Last evaluated: 2025-08-24. Review status: criteria provided, single submitter. Criteria: Ambry Variant Classification Scheme 2023. Collection method: clinical testing. Allele origin: germline.

GeneDx
Classification: Uncertain significance. Last evaluated: 2025-08-12. Review status: criteria provided, single submitter. Criteria: GeneDx Variant Classification Process June 2021. Collection method: clinical testing. Allele origin: germline.
Comment: Has not been previously published as pathogenic or benign to our knowledge; Not observed at significant frequency in large population cohorts (gnomAD); In silico analysis supports that this missense variant has a deleterious effect on protein structure/function

NM_018896.5(CACNA1G):c.394A>T (p.Met132Leu)

Gene: CACNA1G (calcium voltage-gated channel subunit alpha1 G; plus strand). Cytogenetic location: 17q21.33.
Variant type: single nucleotide variant.
Coding change: c.394A>T on transcript NM_018896.5 (MANE Select); coding-DNA position 394, A replaced by T.
Protein change: p.Met132Leu; replaces methionine 132 with leucine.
Molecular consequence: missense variant. On other transcripts: non-coding transcript variant (5).
Genome position (GRCh38, 1-based): chr17:50,569,204, A>T. VCF-style: chr17-50569204-A-T. GRCh37 (hg19) VCF-style: chr17-48646565-A-T.
Other names: c.394A>T, p.Met132Leu (NM_001256324.2, NM_001256325.2, NM_001256326.2 and 24 more transcripts); c.394A>T (NM_018896.3); short protein forms M132L.
Identifiers: ClinVar variation 3381566 (VCV003381566.3).